The following is an entry in ClinVar:

ClinVar aggregate classification (germline): Uncertain significance (1 of 4 stars; one submission).

Submission:

Labcorp Genetics (formerly Invitae), Labcorp
Classification: Uncertain significance. Last evaluated: 2023-10-29. Review status: criteria provided, single submitter. Criteria: Invitae Variant Classification Sherloc (09022015). Collection method: clinical testing. Allele origin: germline.
Comment: This sequence change replaces phenylalanine, which is neutral and non-polar, with serine, which is neutral and polar, at codon 44 of the ERBIN protein (p.Phe44Ser). This variant is not present in population databases (gnomAD no frequency). This variant has not been reported in the literature in individuals affected with ERBIN-related conditions. An algorithm developed to predict the effect of missense changes on protein structure and function (PolyPhen-2) suggests that this variant is likely to be disruptive. In summary, the available evidence is currently insufficient to determine the role of this variant in disease. Therefore, it has been classified as a Variant of Uncertain Significance.

NM_001253697.2(ERBIN):c.131T>C (p.Phe44Ser)

Gene: ERBIN (erbb2 interacting protein; plus strand). Cytogenetic location: 5q12.3.
Variant type: single nucleotide variant.
Coding change: c.131T>C on transcript NM_001253697.2 (MANE Select); coding-DNA position 131, T replaced by C.
Protein change: p.Phe44Ser; replaces phenylalanine 44 with serine.
Molecular consequence: missense variant.
Genome position (GRCh38, 1-based): chr5:65,992,849, T>C. VCF-style: chr5-65992849-T-C. GRCh37 (hg19) VCF-style: chr5-65288677-T-C.
Other names: c.131T>C, p.Phe44Ser (NM_001006600.3, NM_001253698.2, NM_001253699.2 and 2 more transcripts); short protein forms F44S.
Identifiers: ClinVar variation 3002257 (VCV003002257.3), dbSNP rs2546609587, ClinGen allele CA359971952.